The following is an entry in ClinVar:

ClinVar aggregate classification (germline): Uncertain significance (1 of 4 stars; one submission).

Conditions:
Primary ciliary dyskinesia. Also called: Ciliary dyskinesia. Identifiers: Orphanet 244, MedGen C0008780, MONDO:0016575, HP:0012265.

gnomAD v4.1: 3 of 1,613,398 alleles (0.00019%); highest among the groups gnomAD compares: Non-Finnish European, 0.00025%; no homozygotes.

Submission:

Ambry Genetics
Classification: Uncertain significance for Primary ciliary dyskinesia. Last evaluated: 2019-01-17. Review status: criteria provided, single submitter. Criteria: Ambry Variant Classification Scheme 2023. Collection method: clinical testing. Allele origin: germline.
Comment: The p.P2537L variant (also known as c.7610C>T), located in coding exon 46 of the DNAH11 gene, results from a C to T substitution at nucleotide position 7610. The proline at codon 2537 is replaced by leucine, an amino acid with similar properties. This amino acid position is highly conserved in available vertebrate species. In addition, the in silico prediction for this alteration is inconclusive. Since supporting evidence is limited at this time, the clinical significance of this alteration remains unclear.

NM_001277115.2(DNAH11):c.7610C>T (p.Pro2537Leu)

Gene: DNAH11 (dynein axonemal heavy chain 11; plus strand). Cytogenetic location: 7p15.3.
Variant type: single nucleotide variant.
Coding change: c.7610C>T on transcript NM_001277115.2 (MANE Select); coding-DNA position 7610, C replaced by T.
Protein change: p.Pro2537Leu; replaces proline 2537 with leucine.
Molecular consequence: missense variant.
Genome position (GRCh38, 1-based): chr7:21,735,809, C>T. VCF-style: chr7-21735809-C-T. GRCh37 (hg19) VCF-style: chr7-21775427-C-T.
Other names: c.7631C>T, p.Pro2544Leu (NM_003777.3); short protein forms P2537L, P2544L.
Identifiers: ClinVar variation 1759801 (VCV001759801.2), dbSNP rs1224992389, ClinGen allele CA366949133.
Genomic context (GRCh38, chr7:21,735,809, plus strand): 5'-CAGTCTTTGTAGGTGACACATTGGCAAGTCTCTCTGAGGATTACATAGTATCCCGTGTGC[C>T]TTTCAACTACTACACGACATCCACAGCTCTGCAAAGTAAGTGCACCTGTTTATTTTCTAG-3'
Protein context (NP_001264044.1, residues 2527-2547): LSEDYIVSRV[Pro2537Leu]FNYYTTSTAL